The following is an entry in ClinVar:

NM_000466.3(PEX1):c.1249G>A (p.Asp417Asn)

Gene: PEX1 (peroxisomal biogenesis factor 1; minus strand). Cytogenetic location: 7q21.2.
Variant type: single nucleotide variant.
Coding change: c.1249G>A on transcript NM_000466.3 (MANE Select); coding-DNA position 1249, G replaced by A.
Protein change: p.Asp417Asn; replaces aspartic acid 417 with asparagine.
Molecular consequence: missense variant.
Genome position (GRCh38, 1-based): chr7:92,513,958, C>T on the plus strand (G>A on the coding strand, the complement: PEX1 is on the minus strand). VCF-style: chr7-92513958-C-T. GRCh37 (hg19) VCF-style: chr7-92143272-C-T.
Other names: c.1249G>A, p.Asp417Asn (NM_001282677.2); c.625G>A, p.Asp209Asn (NM_001282678.2); short protein forms D417N, D209N.
Identifiers: ClinVar variation 498412 (VCV000498412.17), dbSNP rs143273433, ClinGen allele CA4341451.
Genomic context (GRCh38, chr7:92,513,958, plus strand): 5'-CTTCCACTGGAGTTATCCTGACTACGGCATGCATTTCTATATTTAGTCTCTTCCTCAGGT[C>T]ATCTGGAATCTGAAATTTAAAAATAAACAAAAATATAAATATATTCAAAGCTTGGTTAAG-3'
Protein context (NP_000457.1, residues 407-427): LHLGKVWIPD[Asp417Asn]LRKRLNIEMH

ClinVar aggregate classification (germline): Uncertain significance. Review status: criteria provided, multiple submitters, no conflicts (2 of 4 stars). 8 submissions from 8 submitters: Uncertain significance (7). 1 of the submissions does not count toward it. Last evaluated 2026-07-20.

Conditions:
PEX1-related disorder. Also called: PEX1-related condition.
Peroxisome biogenesis disorder 1B (PBD1B). Also called: PEROXISOME BIOGENESIS DISORDER (NEONATAL ADRENOLEUKODYSTROPHY/INFANTILE REFSUM DISEASE); INFANTILE PHYTANIC ACID STORAGE DISEASE; PEROXISOME BIOGENESIS DISORDER (NALD/IRD); Refsum disease, infantile form; Infantile Refsum disease; Infantile form of phytanic acid storage disease. Identifiers: Orphanet 44, MedGen C0282527, MONDO:0011101, OMIM 601539.
Heimler syndrome 1 (HMLR1). Also called: PEROXISOME BIOGENESIS DISORDER 1C. Identifiers: Orphanet 3220, MedGen C4551980, OMIM 234580, MONDO:0024544.
Peroxisome biogenesis disorder 1A (Zellweger) (PBD1A). Also called: Peroxisome biogenesis disorder 1a; Zellweger leukodystrophy. Identifiers: MedGen C4721541, MONDO:0008953, OMIM 214100.
Inborn genetic diseases. Identifiers: MedGen C0950123, MeSH D030342.
Zellweger spectrum disorders (ZS). Also called: Zellweger syndrome; Zellweger Spectrum Disorder (ZSD); Zellweger Spectrum Disorder; Zellweger Spectrum. Identifiers: Orphanet 912, MedGen C0043459, MONDO:0019609.

Allele frequency attached by ClinVar (database versions not stated): ExAC 0.00006; gnomAD exomes 0.00011 and 0.00017; gnomAD 0.00013 and 0.00014; TOPMed 0.00019; ESP Exome Variant Server 0.00023.
gnomAD v4.1: 261 of 1,567,558 alleles (0.017%); highest among the groups gnomAD compares: Non-Finnish European, 0.021%; no homozygotes.

Submissions (8):

PreventionGenetics, part of Exact Sciences
Classification: Uncertain significance for PEX1-related condition. Last evaluated: 2026-07-20. Review status: criteria provided, single submitter. Criteria: ACMG Guidelines, 2015. Collection method: clinical testing. Allele origin: germline.
Comment: The PEX1 c.1249G>A variant is predicted to result in the amino acid substitution p.Asp417Asn. To our knowledge, this variant has not been reported in the literature. This variant is reported in 0.021% of alleles in individuals of European (Non-Finnish) descent in gnomAD. At this time, the clinical significance of this variant is uncertain due to the absence of conclusive functional and genetic evidence.

Blueprint Genetics
Classification: Uncertain significance. Last evaluated: 2024-10-09. Review status: criteria provided, single submitter. Criteria: ACMG Guidelines, 2015. Collection method: clinical testing. Allele origin: germline.

GeneDx
Classification: Uncertain significance. Last evaluated: 2024-07-15. Review status: criteria provided, single submitter. Criteria: GeneDx Variant Classification Process June 2021. Collection method: clinical testing. Allele origin: germline. Affected: yes.
Comment: In silico analysis indicates that this missense variant does not alter protein structure/function; Has not been previously published as pathogenic or benign to our knowledge

Labcorp Genetics (formerly Invitae), Labcorp
Classification: Uncertain significance for Zellweger spectrum disorders. Last evaluated: 2022-10-18. Review status: criteria provided, single submitter. Criteria: Invitae Variant Classification Sherloc (09022015). Collection method: clinical testing. Allele origin: germline.
Comment: This sequence change replaces aspartic acid, which is acidic and polar, with asparagine, which is neutral and polar, at codon 417 of the PEX1 protein (p.Asp417Asn). This variant is present in population databases (rs143273433, gnomAD 0.02%). This variant has not been reported in the literature in individuals affected with PEX1-related conditions. ClinVar contains an entry for this variant (Variation ID: 498412). Advanced modeling of protein sequence and biophysical properties (such as structural, functional, and spatial information, amino acid conservation, physicochemical variation, residue mobility, and thermodynamic stability) performed at Invitae indicates that this missense variant is not expected to disrupt PEX1 protein function. In summary, the available evidence is currently insufficient to determine the role of this variant in disease. Therefore, it has been classified as a Variant of Uncertain Significance.

Ambry Genetics
Classification: Uncertain significance for Inborn genetic diseases. Last evaluated: 2022-07-25. Review status: criteria provided, single submitter. Criteria: Ambry Variant Classification Scheme 2023. Collection method: clinical testing. Allele origin: germline.

Fulgent Genetics
Classification: Uncertain significance for Peroxisome biogenesis disorder 1A (Zellweger); Heimler syndrome 1; Peroxisome biogenesis disorder 1B. Last evaluated: 2018-10-31. Review status: criteria provided, single submitter. Criteria: ACMG Guidelines, 2015. Collection method: clinical testing. Allele origin: unknown.

Eurofins Ntd Llc (ga)
Classification: Uncertain significance. Last evaluated: 2017-09-26. Review status: criteria provided, single submitter. Criteria: EGL Classification Definitions 2015. Collection method: clinical testing. Allele origin: germline. Observed: 4 variant alleles, 4 heterozygotes.

Natera, Inc.
Classification: Uncertain significance for Zellweger syndrome. Last evaluated: 2017-11-14. Review status: no assertion criteria provided. Collection method: clinical testing. Allele origin: germline. Not counted in ClinVar's aggregate classification.